The following is an entry in ClinVar:

ClinVar aggregate classification (germline): Conflicting classifications of pathogenicity. Review status: criteria provided, conflicting classifications (1 of 4 stars). 8 submissions from 8 submitters: Uncertain significance (2); Benign (1); Likely benign (2). 3 of the submissions do not count toward it. Last evaluated 2026-02-01.

Conditions:
Inborn genetic diseases. Identifiers: MedGen C0950123, MeSH D030342.
GNPTG-mucolipidosis. Also called: ML III GAMMA; ML IIIC; Mucolipidosis type III gamma; MUCOLIPIDOSIS III, COMPLEMENTATION GROUP C; MUCOLIPIDOSIS III, IRANIAN VARIANT FORM; MUCOLIPIDOSIS III, VARIANT FORM. Identifiers: Orphanet 423470, Orphanet 577, MedGen C1854896, MONDO:0009652, OMIM 252605.
GNPTG-related disorder. Also called: GNPTG-related condition.

Allele frequency attached by ClinVar (database versions not stated): TOPMed 0.00023; gnomAD 0.00027 and 0.00022; 1000 Genomes Project 30x 0.00031; 1000 Genomes Project 0.00040; gnomAD exomes 0.00051; ExAC 0.00153.

Submissions (8):

Labcorp Genetics (formerly Invitae), Labcorp
Classification: Likely benign. Last evaluated: 2026-02-01. Review status: criteria provided, single submitter. Criteria: Invitae Variant Classification Sherloc (09022015). Collection method: clinical testing. Allele origin: germline.

Ambry Genetics
Classification: Uncertain significance for Inborn genetic diseases. Last evaluated: 2025-09-11. Review status: criteria provided, single submitter. Criteria: Ambry Variant Classification Scheme 2023. Collection method: clinical testing. Allele origin: germline.

Blueprint Genetics
Classification: Benign. Last evaluated: 2024-11-22. Review status: criteria provided, single submitter. Criteria: ACMG Guidelines, 2015. Collection method: clinical testing. Allele origin: germline.

Genome-Nilou Lab
Classification: Likely benign for GNPTG-mucolipidosis. Last evaluated: 2021-11-07. Review status: criteria provided, single submitter. Criteria: ACMG Guidelines, 2015. Collection method: clinical testing. Allele origin: germline. Affected: no.

Illumina Laboratory Services, Illumina
Classification: Uncertain significance for GNPTG-mucolipidosis. Last evaluated: 2018-01-12. Review status: criteria provided, single submitter. Criteria: ICSL Variant Classification Criteria 13 December 2019. Collection method: clinical testing. Allele origin: germline.

PreventionGenetics, part of Exact Sciences
Classification: Likely benign for GNPTG-related condition. Last evaluated: 2023-07-27. Review status: no assertion criteria provided. Collection method: clinical testing. Allele origin: germline. Not counted in ClinVar's aggregate classification.
Comment: This variant is classified as likely benign based on ACMG/AMP sequence variant interpretation guidelines (Richards et al. 2015 PMID: 25741868, with internal and published modifications).

Natera, Inc.
Classification: Uncertain significance for Mucolipidosis III gamma. Last evaluated: 2020-04-24. Review status: no assertion criteria provided. Collection method: clinical testing. Allele origin: germline. Not counted in ClinVar's aggregate classification.

Mayo Clinic Laboratories, Mayo Clinic
Classification: Uncertain significance. Last evaluated: 2017-10-16. Review status: no assertion criteria provided. Collection method: clinical testing. Allele origin: unknown. Not counted in ClinVar's aggregate classification.

NM_032520.5(GNPTG):c.67G>C (p.Gly23Arg)

Genes: GNPTG (N-acetylglucosamine-1-phosphate transferase subunit gamma; plus strand), LOC130058158 (ATAC-STARR-seq lymphoblastoid silent region 6972; plus strand). Cytogenetic location: 16p13.3.
Variant type: single nucleotide variant.
Coding change: c.67G>C on transcript NM_032520.5 (MANE Select); coding-DNA position 67, G replaced by C.
Protein change: p.Gly23Arg; replaces glycine 23 with arginine.
Molecular consequence: missense variant.
Genome position (GRCh38, 1-based): chr16:1,352,116, G>C. VCF-style: chr16-1352116-G-C. GRCh37 (hg19) VCF-style: chr16-1402117-G-C.
Other names: short protein forms G23R.
Identifiers: ClinVar variation 317804 (VCV000317804.27), dbSNP rs547624231, ClinGen allele CA7807463.
Genomic context (GRCh38, chr16:1,352,116, plus strand): 5'-GCGCTCTGCACCCCGGCCTCCCCGCTCACGGTCTCGCTCCCCGTAGGGCCCGCGCCGGCA[G>C]GTGCAGCGAAGATGAAGGTGGTGGAGGAGCCCAACGCGTTTGGGTGAGCAGCCTCGCGGG-3'
Protein context (NP_115909.1, residues 13-33): GLSAGGPAPA[Gly23Arg]AAKMKVVEEP